The following is an entry in ClinVar:

ClinVar aggregate classification (germline): Conflicting classifications of pathogenicity. Review status: criteria provided, conflicting classifications (1 of 4 stars). 5 submissions from 5 submitters: Uncertain significance (2); Likely benign (2). 1 of the submissions does not count toward it. Last evaluated 2026-07-07.

Conditions:
FARS2-related disorder. Also called: FARS2-related disorders; FARS2-related condition.
Combined oxidative phosphorylation defect type 14. Also called: Combined oxidative phosphorylation deficiency 14. Identifiers: Orphanet 319519, MedGen C4755312, MONDO:0013986, OMIM 614946.
Inborn genetic diseases. Identifiers: MedGen C0950123, MeSH D030342.
Hereditary spastic paraplegia 77. Also called: Spastic paraplegia 77, autosomal recessive. Identifiers: Orphanet 466722, MedGen C5569007, MONDO:0014882, OMIM 617046.

Allele frequency attached by ClinVar (database versions not stated): gnomAD below 0.00001 and 0.00003; TOPMed 0.00001; gnomAD exomes 0.00014 and 0.00023; ExAC 0.00026.
gnomAD v4.1: 219 of 1,613,304 alleles (0.014%); highest among the groups gnomAD compares: South Asian, 0.23%; 3 homozygotes.

Submissions (5):

GeneDx
Classification: Uncertain significance. Last evaluated: 2026-07-07. Review status: criteria provided, single submitter. Criteria: GeneDx Variant Classification Process June 2021. Collection method: clinical testing. Allele origin: germline.
Comment: In silico analysis suggests that this missense variant does not alter protein structure/function; Has not been previously published as pathogenic or benign to our knowledge

Labcorp Genetics (formerly Invitae), Labcorp
Classification: Likely benign for Combined oxidative phosphorylation defect type 14. Last evaluated: 2024-08-21. Review status: criteria provided, single submitter. Criteria: Invitae Variant Classification Sherloc (09022015). Collection method: clinical testing. Allele origin: germline.

Ambry Genetics
Classification: Likely benign for Inborn genetic diseases. Last evaluated: 2023-03-24. Review status: criteria provided, single submitter. Criteria: Ambry Variant Classification Scheme 2023. Collection method: clinical testing. Allele origin: germline.

Baylor Genetics
Classification: Uncertain significance for Hereditary spastic paraplegia 77. Last evaluated: 2019-12-02. Review status: criteria provided, single submitter. Criteria: ACMG Guidelines, 2015. Collection method: clinical testing. Allele origin: unknown. Affected: yes.
Comment: This variant was determined to be of uncertain significance according to ACMG Guidelines, 2015 [PMID:25741868].

PreventionGenetics, part of Exact Sciences
Classification: Likely benign for FARS2-related condition. Last evaluated: 2024-03-21. Review status: no assertion criteria provided. Collection method: clinical testing. Allele origin: germline. Not counted in ClinVar's aggregate classification.
Comment: This variant is classified as likely benign based on ACMG/AMP sequence variant interpretation guidelines (Richards et al. 2015 PMID: 25741868, with internal and published modifications).

NM_006567.5(FARS2):c.1057A>C (p.Lys353Gln)

Gene: FARS2 (phenylalanyl-tRNA synthetase 2, mitochondrial; plus strand). Cytogenetic location: 6p25.1.
Variant type: single nucleotide variant.
Coding change: c.1057A>C on transcript NM_006567.5 (MANE Select); coding-DNA position 1057, A replaced by C.
Protein change: p.Lys353Gln; replaces lysine 353 with glutamine.
Molecular consequence: missense variant.
Genome position (GRCh38, 1-based): chr6:5,545,332, A>C. VCF-style: chr6-5545332-A-C. GRCh37 (hg19) VCF-style: chr6-5545565-A-C.
Other names: c.1057A>C (NM_006567.4); c.1057A>C, p.Lys353Gln (NM_001318872.2, NM_001374875.1, NM_001374876.1 and 4 more transcripts); c.925A>C, p.Lys309Gln (NM_001375258.1); c.361A>C, p.Lys121Gln (NM_001375259.1, NM_001375260.1); short protein forms K353Q, K121Q, K309Q.
Identifiers: ClinVar variation 640714 (VCV000640714.16), dbSNP rs762302341, ClinGen allele CA3623859.